The following is an entry in ClinVar:

ClinVar aggregate classification (germline): Uncertain significance. Review status: criteria provided, multiple submitters, no conflicts (2 of 4 stars). 2 submissions from 2 submitters: Uncertain significance (2). Last evaluated 2025-01-06.

Conditions:
Inborn genetic diseases. Identifiers: MedGen C0950123, MeSH D030342.

Allele frequency attached by ClinVar (database versions not stated): gnomAD exomes below 0.00001.
gnomAD v4.1: 1 of 1,551,906 alleles (0.000064%); highest among the groups gnomAD compares: Non-Finnish European, 0.000087%; no homozygotes.

Submissions (2):

Labcorp Genetics (formerly Invitae), Labcorp
Classification: Uncertain significance. Last evaluated: 2025-01-06. Review status: criteria provided, single submitter. Criteria: Invitae Variant Classification Sherloc (09022015). Collection method: clinical testing. Allele origin: germline.
Comment: This sequence change replaces glycine, which is neutral and non-polar, with serine, which is neutral and polar, at codon 2139 of the LOXHD1 protein (p.Gly2139Ser). This variant is not present in population databases (gnomAD no frequency). This variant has not been reported in the literature in individuals affected with LOXHD1-related conditions. ClinVar contains an entry for this variant (Variation ID: 2160719). An algorithm developed to predict the effect of missense changes on protein structure and function (PolyPhen-2) suggests that this variant is likely to be tolerated. In summary, the available evidence is currently insufficient to determine the role of this variant in disease. Therefore, it has been classified as a Variant of Uncertain Significance.

Ambry Genetics
Classification: Uncertain significance for Inborn genetic diseases. Last evaluated: 2023-06-29. Review status: criteria provided, single submitter. Criteria: Ambry Variant Classification Scheme 2023. Collection method: clinical testing. Allele origin: germline.

NM_001384474.1(LOXHD1):c.6601G>A (p.Gly2201Ser)

Gene: LOXHD1 (lipoxygenase homology PLAT domains 1; minus strand). Cytogenetic location: 18q21.1.
Variant type: single nucleotide variant.
Coding change: c.6601G>A on transcript NM_001384474.1 (MANE Select); coding-DNA position 6601, G replaced by A.
Protein change: p.Gly2201Ser; replaces glycine 2201 with serine.
Molecular consequence: missense variant.
Genome position (GRCh38, 1-based): chr18:46,477,693, C>T on the plus strand (G>A on the coding strand, the complement: LOXHD1 is on the minus strand). VCF-style: chr18-46477693-C-T. GRCh37 (hg19) VCF-style: chr18-44057656-C-T.
Other names: c.3268G>A, p.Gly1090Ser (NM_001145472.3); c.1318G>A, p.Gly440Ser (NM_001145473.3, NM_001173129.2); c.2980G>A, p.Gly994Ser (NM_001308013.2); c.6415G>A, p.Gly2139Ser (NM_144612.7); c.6415G>A (NM_144612.6); short protein forms G2201S, G994S, G1090S, G2139S, G440S.
Identifiers: ClinVar variation 2160719 (VCV002160719.5), dbSNP rs2511331810, ClinGen allele CA402362580.